The following is an entry in ClinVar:

NM_018010.4(IFT57):c.995A>G (p.Tyr332Cys)

Gene: IFT57 (intraflagellar transport 57; minus strand). Cytogenetic location: 3q13.12.
Variant type: single nucleotide variant.
Coding change: c.995A>G on transcript NM_018010.4 (MANE Select); coding-DNA position 995, A replaced by G.
Protein change: p.Tyr332Cys; replaces tyrosine 332 with cysteine.
Molecular consequence: missense variant.
Genome position (GRCh38, 1-based): chr3:108,165,480, T>C on the plus strand (A>G on the coding strand, the complement: IFT57 is on the minus strand). VCF-style: chr3-108165480-T-C. GRCh37 (hg19) VCF-style: chr3-107884327-T-C.
Other names: short protein forms Y332C.
Identifiers: ClinVar variation 1478681 (VCV001478681.6), dbSNP rs1189614193, ClinGen allele CA353913526.

ClinVar aggregate classification (germline): Uncertain significance (1 of 4 stars; one submission).

Allele frequency attached by ClinVar (database versions not stated): gnomAD exomes below 0.00001; TOPMed below 0.00001.

Submission:

Labcorp Genetics (formerly Invitae), Labcorp
Classification: Uncertain significance. Last evaluated: 2021-08-07. Review status: criteria provided, single submitter. Criteria: Invitae Variant Classification Sherloc (09022015). Collection method: clinical testing. Allele origin: germline.
Comment: This sequence change replaces tyrosine with cysteine at codon 332 of the IFT57 protein (p.Tyr332Cys). The tyrosine residue is highly conserved and there is a large physicochemical difference between tyrosine and cysteine. This variant is not present in population databases (ExAC no frequency). This variant has not been reported in the literature in individuals affected with IFT57-related conditions. Algorithms developed to predict the effect of missense changes on protein structure and function are either unavailable or do not agree on the potential impact of this missense change (SIFT: "Deleterious"; PolyPhen-2: "Probably Damaging"; Align-GVGD: "Class C15"). In summary, the available evidence is currently insufficient to determine the role of this variant in disease. Therefore, it has been classified as a Variant of Uncertain Significance.